The following is an entry in ClinVar:

ClinVar aggregate classification (germline): Likely pathogenic (0 of 4 stars; one submission).

Conditions:
COL5A1-related disorder. Also called: COL5A1-related condition.

Submission:

PreventionGenetics, part of Exact Sciences
Classification: Likely pathogenic for COL5A1-related condition. Last evaluated: 2024-07-09. Review status: no assertion criteria provided. Collection method: clinical testing. Allele origin: germline.
Comment: The COL5A1 c.3723_3724insTTGAG variant is predicted to result in a frameshift and premature protein termination (p.Thr1242Leufs*36). To our knowledge, this variant has not been reported in the literature or in a large population database, indicating this variant is rare. Frameshift variants in COL5A1 are expected to be pathogenic. This variant is interpreted as likely pathogenic.

NM_000093.5(COL5A1):c.3723_3724insTTGAG (p.Thr1242fs)

Gene: COL5A1 (collagen type V alpha 1 chain; plus strand). Cytogenetic location: 9q34.3.
Variant type: Insertion.
Coding change: c.3723_3724insTTGAG on transcript NM_000093.5 (MANE Select); coding-DNA positions 3723 to 3724, TTGAG inserted.
Protein change: p.Thr1242fs; shifts the reading frame from threonine 1242.
Molecular consequence: frameshift variant.
Genome position: GRCh38 VCF-style: chr9-134812477-G-GTGAGT. GRCh37 (hg19) VCF-style: chr9-137704323-G-GTGAGT.
Other names: c.3723_3724insTTGAG, p.Thr1242fs (NM_001278074.1); short protein forms T1242fs.
Identifiers: ClinVar variation 3346477 (VCV003346477.1).